The following is an entry in ClinVar:

NM_000051.4(ATM):c.8788T>C (p.Cys2930Arg)

Genes: ATM (ATM serine/threonine kinase; plus strand), C11orf65 (chromosome 11 open reading frame 65; minus strand). Cytogenetic location: 11q22.3.
Variant type: single nucleotide variant.
Coding change: c.8788T>C on transcript NM_000051.4 (MANE Select); coding-DNA position 8788, T replaced by C.
Protein change: p.Cys2930Arg; replaces cysteine 2930 with arginine.
Molecular consequence: missense variant. On other transcripts: intron variant (2).
Genome position (GRCh38, 1-based): chr11:108,354,812, T>C. VCF-style: chr11-108354812-T-C. GRCh37 (hg19) VCF-style: chr11-108225539-T-C.
Other names: c.8788T>C, p.Cys2930Arg (NM_001351834.2); c.640+31108A>G (NM_001330368.2); c.695-19520A>G (NM_001351110.2); short protein forms C2930R.
Identifiers: ClinVar variation 2790369 (VCV002790369.3), dbSNP rs876659807, ClinGen allele CA382525526.

ClinVar aggregate classification (germline): Uncertain significance (1 of 4 stars; one submission).

Conditions:
Ataxia-telangiectasia syndrome (AT). Also called: LOUIS-BAR SYNDROME; Cerebello-oculocutaneous telangiectasia; Immunodeficiency with ataxia telangiectasia; Ataxia telangiectasia (A-T); Ataxia-telangiectasia, complementation group D; AT, COMPLEMENTATION GROUP C. Identifiers: Orphanet 100, MedGen C0004135, MONDO:0008840, OMIM 208900.

Submission:

Labcorp Genetics (formerly Invitae), Labcorp
Classification: Uncertain significance for Ataxia-telangiectasia syndrome. Last evaluated: 2023-04-25. Review status: criteria provided, single submitter. Criteria: Invitae Variant Classification Sherloc (09022015). Collection method: clinical testing. Allele origin: germline.
Comment: In summary, the available evidence is currently insufficient to determine the role of this variant in disease. Therefore, it has been classified as a Variant of Uncertain Significance. An algorithm developed to predict the effect of missense changes on protein structure and function (PolyPhen-2) suggests that this variant is likely to be disruptive. This variant has not been reported in the literature in individuals affected with ATM-related conditions. This variant is not present in population databases (gnomAD no frequency). This sequence change replaces cysteine, which is neutral and slightly polar, with arginine, which is basic and polar, at codon 2930 of the ATM protein (p.Cys2930Arg).